The following is an entry in ClinVar:

NM_004984.4(KIF5A):c.2696G>A (p.Arg899His)

Gene: KIF5A (kinesin family member 5A; plus strand). Cytogenetic location: 12q13.3.
Variant type: single nucleotide variant.
Coding change: c.2696G>A on transcript NM_004984.4 (MANE Select); coding-DNA position 2696, G replaced by A.
Protein change: p.Arg899His; replaces arginine 899 with histidine.
Molecular consequence: missense variant.
Genome position (GRCh38, 1-based): chr12:57,581,113, G>A. VCF-style: chr12-57581113-G-A. GRCh37 (hg19) VCF-style: chr12-57974896-G-A.
Other names: c.2429G>A, p.Arg810His (NM_001354705.2); short protein forms R810H, R899H.
Identifiers: ClinVar variation 2540813 (VCV002540813.7), dbSNP rs375737596, ClinGen allele CA237790915.

ClinVar aggregate classification (germline): Uncertain significance. Review status: criteria provided, multiple submitters, no conflicts (2 of 4 stars). 3 submissions from 3 submitters: Uncertain significance (2). 1 of the submissions does not count toward it. Last evaluated 2024-12-20.

Conditions:
Spastic paraplegia. Identifiers: HP:0007216, MedGen C0037772.
KIF5A-related disorder. Also called: KIF5A-related disorders; KIF5A-related condition.
Inborn genetic diseases. Identifiers: MedGen C0950123, MeSH D030342.

Allele frequency attached by ClinVar (database versions not stated): TOPMed below 0.00001; gnomAD exomes 0.00001; ESP Exome Variant Server 0.00008.
gnomAD v4.1: 9 of 1,614,068 alleles (0.00056%); highest among the groups gnomAD compares: Non-Finnish European, 0.00076%; no homozygotes.

Submissions (3):

Labcorp Genetics (formerly Invitae), Labcorp
Classification: Uncertain significance for Spastic paraplegia. Last evaluated: 2024-12-20. Review status: criteria provided, single submitter. Criteria: Invitae Variant Classification Sherloc (09022015). Collection method: clinical testing. Allele origin: germline.
Comment: This sequence change replaces arginine, which is basic and polar, with histidine, which is basic and polar, at codon 899 of the KIF5A protein (p.Arg899His). This variant is present in population databases (rs375737596, gnomAD 0.002%). This variant has not been reported in the literature in individuals affected with KIF5A-related conditions. ClinVar contains an entry for this variant (Variation ID: 2540813). Invitae Evidence Modeling of protein sequence and biophysical properties (such as structural, functional, and spatial information, amino acid conservation, physicochemical variation, residue mobility, and thermodynamic stability) has been performed for this missense variant. However, the output from this modeling did not meet the statistical confidence thresholds required to predict the impact of this variant on KIF5A protein function. In summary, the available evidence is currently insufficient to determine the role of this variant in disease. Therefore, it has been classified as a Variant of Uncertain Significance.

Ambry Genetics
Classification: Uncertain significance for Inborn genetic diseases. Last evaluated: 2023-04-26. Review status: criteria provided, single submitter. Criteria: Ambry Variant Classification Scheme 2023. Collection method: clinical testing. Allele origin: germline.

PreventionGenetics, part of Exact Sciences
Classification: Uncertain significance for KIF5A-related condition. Last evaluated: 2023-11-06. Review status: no assertion criteria provided. Collection method: clinical testing. Allele origin: germline. Not counted in ClinVar's aggregate classification.
Comment: The KIF5A c.2696G>A variant is predicted to result in the amino acid substitution p.Arg899His. To our knowledge, this variant has not been reported in the literature. This variant is reported in 0.0018% of alleles in individuals of European (Non-Finnish) descent in gnomAD. At this time, the clinical significance of this variant is uncertain due to the absence of conclusive functional and genetic evidence.